The following is an entry in ClinVar:

ClinVar aggregate classification (germline): Pathogenic/Likely pathogenic. Review status: criteria provided, multiple submitters, no conflicts (2 of 4 stars). 2 submissions from 2 submitters: Pathogenic (1); Likely pathogenic (1). Last evaluated 2025-02-10.

Conditions:
Charcot-Marie-Tooth disease, type I (CMT1). Also called: Charcot-Marie-Tooth, Type 1; Charcot-Marie-Tooth disease type 1. Identifiers: Orphanet 65753, MedGen C0751036, MONDO:0019011.

Allele frequency attached by ClinVar (database versions not stated): gnomAD exomes below 0.00001.
gnomAD v4.1: 1 of 1,614,282 alleles (0.000062%); highest among the groups gnomAD compares: Non-Finnish European, 0.000085%; no homozygotes.

Submissions (2):

GeneDx
Classification: Likely pathogenic. Last evaluated: 2025-02-10. Review status: criteria provided, single submitter. Criteria: GeneDx Variant Classification Process June 2021. Collection method: clinical testing. Allele origin: germline. Affected: yes.
Comment: Reported previously as a likely pathogenic variant in a patient with axonal neuropathy; however, no further clinical or segregation information was provided (PMID: 33179255); Missense variants in this gene are a common cause of disease and they are underrepresented in the general population; In silico analysis supports that this missense variant has a deleterious effect on protein structure/function; Not observed at significant frequency in large population cohorts (gnomAD); This variant is associated with the following publications: (PMID: 26310628, 20461396, 33179255, 37404437)

Labcorp Genetics (formerly Invitae), Labcorp
Classification: Pathogenic for Charcot-Marie-Tooth disease, type I. Last evaluated: 2024-11-11. Review status: criteria provided, single submitter. Criteria: Invitae Variant Classification Sherloc (09022015). Collection method: clinical testing. Allele origin: germline.
Comment: This sequence change replaces glutamic acid, which is acidic and polar, with lysine, which is basic and polar, at codon 37 of the MPZ protein (p.Glu37Lys). This variant is not present in population databases (gnomAD no frequency). This missense change has been observed in individuals with MPZ-related conditions (PMID: 33179255, 37404437; internal data). Invitae Evidence Modeling of clinical and family history, age, sex, and reported ancestry of multiple individuals with this MPZ variant has been performed. This variant is expected to be pathogenic with a positive predictive value of at least 99%. This is a validated machine learning model that incorporates the clinical features of 11,906 individuals referred to our laboratory for MPZ testing. ClinVar contains an entry for this variant (Variation ID: 845076). Invitae Evidence Modeling of protein sequence and biophysical properties (such as structural, functional, and spatial information, amino acid conservation, physicochemical variation, residue mobility, and thermodynamic stability) indicates that this missense variant is not expected to disrupt MPZ protein function with a negative predictive value of 80%. For these reasons, this variant has been classified as Pathogenic.

Literature cited by the submitters: PubMed 33179255 (cited by Labcorp Genetics (formerly Invitae), Labcorp); PubMed 37404437 (cited by Labcorp Genetics (formerly Invitae), Labcorp).

NM_000530.8(MPZ):c.109G>A (p.Glu37Lys)

Gene: MPZ (myelin protein zero; minus strand). Cytogenetic location: 1q23.3.
Variant type: single nucleotide variant.
Coding change: c.109G>A on transcript NM_000530.8 (MANE Select); coding-DNA position 109, G replaced by A.
Protein change: p.Glu37Lys; replaces glutamic acid 37 with lysine.
Molecular consequence: missense variant.
Genome position (GRCh38, 1-based): chr1:161,307,383, C>T on the plus strand (G>A on the coding strand, the complement: MPZ is on the minus strand). VCF-style: chr1-161307383-C-T. GRCh37 (hg19) VCF-style: chr1-161277173-C-T.
Other names: c.109G>A, p.Glu37Lys (NM_001315491.2); short protein forms E37K.
Identifiers: ClinVar variation 845076 (VCV000845076.10), dbSNP rs1670288858, ClinGen allele CA343351491.